The following is an entry in ClinVar:

NM_015557.3(CHD5):c.284C>G (p.Pro95Arg)

Gene: CHD5 (chromodomain helicase DNA binding protein 5; minus strand). Cytogenetic location: 1p36.31.
Variant type: single nucleotide variant.
Coding change: c.284C>G on transcript NM_015557.3 (MANE Select); coding-DNA position 284, C replaced by G.
Protein change: p.Pro95Arg; replaces proline 95 with arginine.
Molecular consequence: missense variant.
Genome position (GRCh38, 1-based): chr1:6,159,439, G>C on the plus strand (C>G on the coding strand, the complement: CHD5 is on the minus strand). VCF-style: chr1-6159439-G-C. GRCh37 (hg19) VCF-style: chr1-6219499-G-C.
Other names: short protein forms P95R.
Identifiers: ClinVar variation 3061560 (VCV003061560.2), dbSNP rs778454890, ClinGen allele CA338090908.

ClinVar aggregate classification (germline): Uncertain significance (0 of 4 stars; one submission).

Conditions:
CHD5-related disorder. Also called: CHD5-related condition.

Submission:

PreventionGenetics, part of Exact Sciences
Classification: Uncertain significance for CHD5-related condition. Last evaluated: 2024-01-04. Review status: no assertion criteria provided. Collection method: clinical testing. Allele origin: germline.
Comment: The CHD5 c.284C>G variant is predicted to result in the amino acid substitution p.Pro95Arg. To our knowledge, this variant has not been reported in the literature or in a large population database, indicating this variant is rare. At this time, the clinical significance of this variant is uncertain due to the absence of conclusive functional and genetic evidence.